The following is an entry in ClinVar:

ClinVar aggregate classification (germline): Uncertain significance (1 of 4 stars; one submission).

Conditions:
LAMA2-related muscular dystrophy (LAMA2-RD). Also called: Laminin alpha 2-related dystrophy. Identifiers: MedGen C5679788, MONDO:0100228.

Submission:

Labcorp Genetics (formerly Invitae), Labcorp
Classification: Uncertain significance for LAMA2-related muscular dystrophy. Last evaluated: 2018-05-30. Review status: criteria provided, single submitter. Criteria: Invitae Variant Classification Sherloc (09022015). Collection method: clinical testing. Allele origin: germline.
Comment: In summary, the available evidence is currently insufficient to determine the role of this variant in disease. Therefore, it has been classified as a Variant of Uncertain Significance. Algorithms developed to predict the effect of missense changes on protein structure and function are either unavailable or do not agree on the potential impact of this missense change (SIFT: "Tolerated"; PolyPhen-2: "Possibly Damaging"; Align-GVGD: "Class C0"). This variant has not been reported in the literature in individuals with LAMA2-related disease. This variant is not present in population databases (ExAC no frequency). This sequence change replaces glutamic acid with lysine at codon 2965 of the LAMA2 protein (p.Glu2965Lys). The glutamic acid residue is moderately conserved and there is a small physicochemical difference between glutamic acid and lysine.

NM_000426.4(LAMA2):c.8893G>A (p.Glu2965Lys)

Gene: LAMA2 (laminin subunit alpha 2; plus strand). Cytogenetic location: 6q22.33.
Variant type: single nucleotide variant.
Coding change: c.8893G>A on transcript NM_000426.4 (MANE Select); coding-DNA position 8893, G replaced by A.
Protein change: p.Glu2965Lys; replaces glutamic acid 2965 with lysine.
Molecular consequence: missense variant.
Genome position (GRCh38, 1-based): chr6:129,512,398, G>A. VCF-style: chr6-129512398-G-A. GRCh37 (hg19) VCF-style: chr6-129833543-G-A.
Other names: c.8881G>A, p.Glu2961Lys (NM_001079823.2); short protein forms E2965K, E2961K.
Identifiers: ClinVar variation 575509 (VCV000575509.8), dbSNP rs1562641304, ClinGen allele CA365636059.